The following is an entry in ClinVar:

ClinVar aggregate classification (germline): Likely benign. Review status: criteria provided, multiple submitters, no conflicts (2 of 4 stars). 4 submissions from 4 submitters: Likely benign (4). Last evaluated 2026-01-25.

Conditions:
BMPR2-related disorder. Also called: BMPR2-related disorders; BMPR2-related condition.
Inborn genetic diseases. Identifiers: MedGen C0950123, MeSH D030342.
Primary pulmonary hypertension. Also called: Idiopathic pulmonary hypertension. Identifiers: MedGen C0152171.

Allele frequency attached by ClinVar (database versions not stated): gnomAD 0.00004 and 0.00005; ExAC 0.00005; gnomAD exomes 0.00006 and 0.00014; TOPMed 0.00007; ESP Exome Variant Server 0.00008.
gnomAD v4.1: 207 of 1,613,898 alleles (0.013%); highest among the groups gnomAD compares: Non-Finnish European, 0.017%; no homozygotes.

Submissions (4):

Labcorp Genetics (formerly Invitae), Labcorp
Classification: Likely benign for Primary pulmonary hypertension. Last evaluated: 2026-01-25. Review status: criteria provided, single submitter. Criteria: Invitae Variant Classification Sherloc (09022015). Collection method: clinical testing. Allele origin: germline.

Mayo Clinic Laboratories, Mayo Clinic
Classification: Likely benign. Last evaluated: 2025-11-26. Review status: criteria provided, single submitter. Criteria: ACMG Guidelines, 2015. Collection method: clinical testing. Allele origin: germline. Observed: 1 variant allele.
Comment: BS1, BP4, BP7

PreventionGenetics, part of Exact Sciences
Classification: Likely benign for BMPR2-related condition. Last evaluated: 2024-11-03. Review status: criteria provided, single submitter. Criteria: ACMG Guidelines, 2015. Collection method: clinical testing. Allele origin: germline.
Comment: This variant is classified as likely benign based on ACMG/AMP sequence variant interpretation guidelines (Richards et al. 2015 PMID: 25741868, with internal and published modifications).

Ambry Genetics
Classification: Likely benign for Inborn genetic diseases. Last evaluated: 2022-05-14. Review status: criteria provided, single submitter. Criteria: Ambry Variant Classification Scheme 2023. Collection method: clinical testing. Allele origin: germline.

NM_001204.7(BMPR2):c.2961C>T (p.Ser987=)

Gene: BMPR2 (bone morphogenetic protein receptor type 2; plus strand). Cytogenetic location: 2q33.2.
Variant type: single nucleotide variant.
Coding change: c.2961C>T on transcript NM_001204.7 (MANE Select); coding-DNA position 2961, C replaced by T.
Protein change: p.Ser987=; no amino-acid change (serine 987 retained).
Molecular consequence: synonymous variant.
Genome position (GRCh38, 1-based): chr2:202,559,790, C>T. VCF-style: chr2-202559790-C-T. GRCh37 (hg19) VCF-style: chr2-203424513-C-T.
Other names: p.Ser987=.
Identifiers: ClinVar variation 697998 (VCV000697998.14), dbSNP rs144848138, ClinGen allele CA2061620.